The following is an entry in ClinVar:

NM_000439.5(PCSK1):c.1586C>T (p.Ala529Val)

Genes: PCSK1 (proprotein convertase subtilisin/kexin type 1; minus strand), CAST (calpastatin; plus strand), LOC101929710 (uncharacterized LOC101929710; plus strand). Cytogenetic location: 5q15.
Variant type: single nucleotide variant.
Coding change: c.1586C>T on transcript NM_000439.5 (MANE Select); coding-DNA position 1586, C replaced by T.
Protein change: p.Ala529Val; replaces alanine 529 with valine.
Molecular consequence: missense variant. On other transcripts: intron variant (11).
Genome position (GRCh38, 1-based): chr5:96,398,881, G>A on the plus strand (C>T on the coding strand, the complement: PCSK1 is on the minus strand). VCF-style: chr5-96398881-G-A. GRCh37 (hg19) VCF-style: chr5-95734585-G-A.
Other names: c.1445C>T, p.Ala482Val (NM_001177875.2); c.-175+19229G>A (NM_001423254.1, NM_001423259.1, NM_001423255.1 and 6 more transcripts); c.-103+19229G>A (NM_001423253.1); c.-40+19229G>A (NM_001423258.1); short protein forms A529V, A482V.
Identifiers: ClinVar variation 4997279 (VCV004997279.1).

ClinVar aggregate classification (germline): Uncertain significance (1 of 4 stars; one submission).

Conditions:
PCSK1-related disorder. Also called: PCSK1-related condition.

Submission:

PreventionGenetics, part of Exact Sciences
Classification: Uncertain significance for PCSK1-related condition. Last evaluated: 2026-05-07. Review status: criteria provided, single submitter. Criteria: ACMG Guidelines, 2015. Collection method: clinical testing. Allele origin: germline.
Comment: The PCSK1 c.1586C>T variant is predicted to result in the amino acid substitution p.Ala529Val. To our knowledge, this variant has not been reported in the literature or in a large population database (gnomAD), indicating this variant is rare. At this time, the clinical significance of this variant is uncertain due to the absence of conclusive functional and genetic evidence.